The following is an entry in ClinVar:

NM_005228.5(EGFR):c.3310T>C (p.Ser1104Pro)

Gene: EGFR (epidermal growth factor receptor; plus strand). Cytogenetic location: 7p11.2.
Variant type: single nucleotide variant.
Coding change: c.3310T>C on transcript NM_005228.5 (MANE Select); coding-DNA position 3310, T replaced by C.
Protein change: p.Ser1104Pro; replaces serine 1104 with proline.
Molecular consequence: missense variant.
Genome position (GRCh38, 1-based): chr7:55,205,294, T>C. VCF-style: chr7-55205294-T-C. GRCh37 (hg19) VCF-style: chr7-55272987-T-C.
Other names: c.2509T>C, p.Ser837Pro (NM_001346941.2); c.3175T>C, p.Ser1059Pro (NM_001346899.2); c.3151T>C, p.Ser1051Pro (NM_001346900.2); c.3310T>C (NM_005228.3); short protein forms S1104P, S837P, S1051P, S1059P.
Identifiers: ClinVar variation 1039667 (VCV001039667.8), dbSNP rs376598259, ClinGen allele CA4266378.

ClinVar aggregate classification (germline): Uncertain significance. Review status: criteria provided, multiple submitters, no conflicts (2 of 4 stars). 2 submissions from 2 submitters: Uncertain significance (2). Last evaluated 2024-12-23.

Conditions:
Hereditary cancer-predisposing syndrome. Also called: Neoplastic Syndromes, Hereditary; Hereditary Cancer Syndrome; Tumor predisposition; Hereditary neoplastic syndrome. Identifiers: Orphanet 140162, MedGen C0027672, MeSH D009386, MONDO:0015356.
EGFR-related lung cancer (EGFR). Identifiers: MedGen CN130014.

Allele frequency attached by ClinVar (database versions not stated): gnomAD exomes below 0.00001; TOPMed below 0.00001; ExAC 0.00001; gnomAD 0.00001; ESP Exome Variant Server 0.00008.
gnomAD v4.1: 3 of 1,612,814 alleles (0.00019%); highest among the groups gnomAD compares: Non-Finnish European, 0.00025%; no homozygotes.

Submissions (2):

Ambry Genetics
Classification: Uncertain significance for Hereditary cancer-predisposing syndrome. Last evaluated: 2024-12-23. Review status: criteria provided, single submitter. Criteria: Ambry Variant Classification Scheme 2023. Collection method: clinical testing. Allele origin: germline.
Comment: The p.S1104P variant (also known as c.3310T>C), located in coding exon 28 of the EGFR gene, results from a T to C substitution at nucleotide position 3310. The serine at codon 1104 is replaced by proline, an amino acid with similar properties. This amino acid position is conserved. In addition, the in silico prediction for this alteration is inconclusive. Based on the available evidence, the clinical significance of this variant remains unclear.

Labcorp Genetics (formerly Invitae), Labcorp
Classification: Uncertain significance for EGFR-related lung cancer. Last evaluated: 2021-10-13. Review status: criteria provided, single submitter. Criteria: Invitae Variant Classification Sherloc (09022015). Collection method: clinical testing. Allele origin: germline.
Comment: This sequence change replaces serine with proline at codon 1104 of the EGFR protein (p.Ser1104Pro). The serine residue is weakly conserved and there is a moderate physicochemical difference between serine and proline. This variant is present in population databases (rs376598259, ExAC 0.002%). This variant has not been reported in the literature in individuals affected with EGFR-related conditions. Algorithms developed to predict the effect of missense changes on protein structure and function (SIFT, PolyPhen-2, Align-GVGD) all suggest that this variant is likely to be tolerated. In summary, the available evidence is currently insufficient to determine the role of this variant in disease. Therefore, it has been classified as a Variant of Uncertain Significance.